The following is an entry in ClinVar:

NM_006231.4(POLE):c.3534C>T (p.Tyr1178=)

Gene: POLE (DNA polymerase epsilon, catalytic subunit; minus strand). Cytogenetic location: 12q24.33.
Variant type: single nucleotide variant.
Coding change: c.3534C>T on transcript NM_006231.4 (MANE Select); coding-DNA position 3534, C replaced by T.
Protein change: p.Tyr1178=; no amino-acid change (tyrosine 1178 retained).
Molecular consequence: synonymous variant.
Genome position (GRCh38, 1-based): chr12:132,657,184, G>A on the plus strand (C>T on the coding strand, the complement: POLE is on the minus strand). VCF-style: chr12-132657184-G-A. GRCh37 (hg19) VCF-style: chr12-133233770-G-A.
Identifiers: ClinVar variation 384191 (VCV000384191.16), dbSNP rs370133842, ClinGen allele CA6893194.

ClinVar aggregate classification (germline): Likely benign. Review status: criteria provided, multiple submitters, no conflicts (2 of 4 stars). 3 submissions from 3 submitters: Likely benign (3). Last evaluated 2025-12-06.

Conditions:
Hereditary cancer-predisposing syndrome. Also called: Hereditary Cancer Syndrome; Hereditary neoplastic syndrome; Neoplastic Syndromes, Hereditary; Tumor predisposition. Identifiers: Orphanet 140162, MedGen C0027672, MeSH D009386, MONDO:0015356.

Allele frequency attached by ClinVar (database versions not stated): gnomAD exomes below 0.00001 and 0.00001; ExAC 0.00001; gnomAD 0.00003 and 0.00004; TOPMed 0.00007; ESP Exome Variant Server 0.00008.
gnomAD v4.1: 9 of 1,613,874 alleles (0.00056%); highest among the groups gnomAD compares: African/African-American, 0.0094%; no homozygotes.

Submissions (3):

Labcorp Genetics (formerly Invitae), Labcorp
Classification: Likely benign. Last evaluated: 2025-12-06. Review status: criteria provided, single submitter. Criteria: Invitae Variant Classification Sherloc (09022015). Collection method: clinical testing. Allele origin: germline.

Ambry Genetics
Classification: Likely benign for Hereditary cancer-predisposing syndrome. Last evaluated: 2016-07-15. Review status: criteria provided, single submitter. Criteria: Ambry Variant Classification Scheme 2023. Collection method: clinical testing. Allele origin: germline.

GeneDx
Classification: Likely benign. Last evaluated: 2016-02-24. Review status: criteria provided, single submitter. Criteria: GeneDx Variant Classification (06012015). Collection method: clinical testing. Allele origin: germline. Affected: yes.
Comment: This variant is considered likely benign or benign based on one or more of the following criteria: it is a conservative change, it occurs at a poorly conserved position in the protein, it is predicted to be benign by multiple in silico algorithms, and/or has population frequency not consistent with disease.